The following is an entry in ClinVar:

NM_000718.4(CACNA1B):c.2134C>G (p.Leu712Val)

Gene: CACNA1B (calcium voltage-gated channel subunit alpha1 B; plus strand). Cytogenetic location: 9q34.3.
Variant type: single nucleotide variant.
Coding change: c.2134C>G on transcript NM_000718.4 (MANE Select); coding-DNA position 2134, C replaced by G.
Protein change: p.Leu712Val; replaces leucine 712 with valine.
Molecular consequence: missense variant.
Genome position (GRCh38, 1-based): chr9:138,010,051, C>G. VCF-style: chr9-138010051-C-G. GRCh37 (hg19) VCF-style: chr9-140904503-C-G.
Other names: c.2134C>G, p.Leu712Val (NM_001243812.2); c.2134C>G (NM_000718.3); short protein forms L712V.
Identifiers: ClinVar variation 2870668 (VCV002870668.2), dbSNP rs1339768756, ClinGen allele CA375808706.
Genomic context (GRCh38, chr9:138,010,051, plus strand): 5'-CTCAGCTGGACCCAACCAGACACTCTGCTGAATGTCTTTCTGGCCATCGCTGTGGACAAC[C>G]TGGCCAACGCCCAAGAGCTGACCAAGGTAGGTGGCGACAGGGAGGGACCGGTGTCAGCCC-3'
Protein context (NP_000709.1, residues 702-722): NVFLAIAVDN[Leu712Val]ANAQELTKDE

ClinVar aggregate classification (germline): Uncertain significance. Review status: criteria provided, multiple submitters, no conflicts (2 of 4 stars). 2 submissions from 2 submitters: Uncertain significance (2). Last evaluated 2024-06-16.

gnomAD v4.1: 1 of 1,613,794 alleles (0.000062%); highest among the groups gnomAD compares: Non-Finnish European, 0.000085%; no homozygotes.

Submissions (2):

Ambry Genetics
Classification: Uncertain significance. Last evaluated: 2024-06-16. Review status: criteria provided, single submitter. Criteria: Ambry Variant Classification Scheme 2023. Collection method: clinical testing. Allele origin: germline.

Labcorp Genetics (formerly Invitae), Labcorp
Classification: Uncertain significance. Last evaluated: 2023-03-19. Review status: criteria provided, single submitter. Criteria: Invitae Variant Classification Sherloc (09022015). Collection method: clinical testing. Allele origin: germline.
Comment: In summary, the available evidence is currently insufficient to determine the role of this variant in disease. Therefore, it has been classified as a Variant of Uncertain Significance. Advanced modeling of protein sequence and biophysical properties (such as structural, functional, and spatial information, amino acid conservation, physicochemical variation, residue mobility, and thermodynamic stability) performed at Invitae indicates that this missense variant is expected to disrupt CACNA1B protein function. This variant has not been reported in the literature in individuals affected with CACNA1B-related conditions. This variant is present in population databases (no rsID available, gnomAD 0.0009%). This sequence change replaces leucine, which is neutral and non-polar, with valine, which is neutral and non-polar, at codon 712 of the CACNA1B protein (p.Leu712Val).